The following is an entry in ClinVar:

NM_170707.2(LMNA):c.(?_1)_(356_?)del

Genes: LMNA (lamin A/C; plus strand), LOC129931597 (ATAC-STARR-seq lymphoblastoid silent region 1421; plus strand). Cytogenetic location: 1q22.
Variant type: Deletion.
Coding change: c.(?_1)_(356_?)del on transcript NM_170707.2; a large deletion whose breakpoints are not mapped to the base.
Other names: c.(?_1)_(356_?)del (LRG_254t2).
Identifiers: ClinVar variation 180106 (VCV000180106.5).

ClinVar aggregate classification (germline): Pathogenic (1 of 4 stars; one submission).

Conditions:
Primary dilated cardiomyopathy (DCM). Also called: Dilated Cardiomyopathy. Identifiers: Orphanet 217604, MedGen C0007193, MeSH D002311, MONDO:0005021, HP:0001644. Inheritance: Various modes of inheritance.
Laminopathy. Also called: Laminopathies. Identifiers: Orphanet 98301, MedGen C5392094, MONDO:0021106.

Submission:

Laboratory for Molecular Medicine, Mass General Brigham Personalized Medicine
Classification: Pathogenic for Primary dilated cardiomyopathy; Laminopathy. Last evaluated: 2014-11-25. Review status: criteria provided, single submitter. Criteria: LMM Criteria. Collection method: clinical testing. Allele origin: germline. Inheritance: Autosomal dominant inheritance. Observed: 2 variant alleles.
Comment: The c.(?_1)_(356_?)del variant in LMNA has been reported in 1 individual with my ocardial fibrosis, and segregated with disease in 20 affected relatives, many of which also had cardiac conduction defects (including 4 affected obligate carrie rs; van Tintelen 2007). This variant results in a deletion encompassing the firs t exon of LMNA, likely resulting in a truncated protein as suggested by analyses performed on carriers of this variant (Van Tintelen 2007). In summary, this var iant meets our criteria to be classified as pathogenic in an autosomal dominant manner based on the predicted impact of the variant and segregation with disease.

Literature cited by the submitters: PubMed 11102526; PubMed 17599607.